The following is an entry in ClinVar:

NM_000044.6(AR):c.2744T>A (p.Ile915Asn)

Gene: AR (androgen receptor; plus strand). Cytogenetic location: Xq12.
Variant type: single nucleotide variant.
Coding change: c.2744T>A on transcript NM_000044.6 (MANE Select); coding-DNA position 2744, T replaced by A.
Protein change: p.Ile915Asn; replaces isoleucine 915 with asparagine.
Molecular consequence: missense variant.
Genome position (GRCh38, 1-based): chrX:67,723,822, T>A. VCF-style: chrX-67723822-T-A. GRCh37 (hg19) VCF-style: chrX-66943664-T-A.
Other names: c.1148T>A, p.Ile383Asn (NM_001011645.3); short protein forms I383N, I915N.
Identifiers: ClinVar variation 1480696 (VCV001480696.8), dbSNP rs2147540812, ClinGen allele CA413428461.

ClinVar aggregate classification (germline): Uncertain significance (1 of 4 stars; one submission).

Conditions:
Kennedy disease (SMAX1). Also called: SPINAL AND BULBAR MUSCULAR ATROPHY, X-LINKED 1; KENNEDY SPINAL AND BULBAR MUSCULAR ATROPHY; Spinal and Bulbar Muscular Atrophy. Identifiers: Orphanet 481, MedGen C1839259, MONDO:0010735, OMIM 313200.
Androgen resistance syndrome (AIS). Also called: ANDROGEN RECEPTOR DEFICIENCY; DIHYDROTESTOSTERONE RECEPTOR DEFICIENCY; Androgen insensitivity; DHTR DEFICIENCY; TESTICULAR FEMINIZATION SYNDROME; Androgen insensitivity syndrome. Identifiers: Orphanet 754, Orphanet 99429, MedGen C0039585, MONDO:0019154, OMIM 300068. Disease mechanism: loss of function.

Submission:

Labcorp Genetics (formerly Invitae), Labcorp
Classification: Uncertain significance for Kennedy disease; Androgen resistance syndrome. Last evaluated: 2022-07-05. Review status: criteria provided, single submitter. Criteria: Invitae Variant Classification Sherloc (09022015). Collection method: clinical testing. Allele origin: germline.
Comment: In summary, the available evidence is currently insufficient to determine the role of this variant in disease. Therefore, it has been classified as a Variant of Uncertain Significance. Algorithms developed to predict the effect of missense changes on protein structure and function are either unavailable or do not agree on the potential impact of this missense change (SIFT: "Deleterious"; PolyPhen-2: "Probably Damaging"; Align-GVGD: "Class C0"). ClinVar contains an entry for this variant (Variation ID: 1480696). This variant has not been reported in the literature in individuals affected with AR-related conditions. This variant is not present in population databases (gnomAD no frequency). This sequence change replaces isoleucine, which is neutral and non-polar, with asparagine, which is neutral and polar, at codon 915 of the AR protein (p.Ile915Asn).